The following is an entry in ClinVar:

NM_025150.5(TARS2):c.1036C>T (p.Arg346Cys)

Gene: TARS2 (threonyl-tRNA synthetase 2, mitochondrial; plus strand). Cytogenetic location: 1q21.2.
Variant type: single nucleotide variant.
Coding change: c.1036C>T on transcript NM_025150.5 (MANE Select); coding-DNA position 1036, C replaced by T.
Protein change: p.Arg346Cys; replaces arginine 346 with cysteine.
Molecular consequence: missense variant. On other transcripts: non-coding transcript variant (2).
Genome position (GRCh38, 1-based): chr1:150,497,545, C>T. VCF-style: chr1-150497545-C-T. GRCh37 (hg19) VCF-style: chr1-150470021-C-T.
Other names: p.Arg346Cys; c.790C>T, p.Arg264Cys (NM_001271895.2); c.646C>T, p.Arg216Cys (NM_001271896.2); short protein forms R216C, R264C, R346C.
Identifiers: ClinVar variation 1064847 (VCV001064847.27), dbSNP rs749476185, ClinGen allele CA1076898.

ClinVar aggregate classification (germline): Uncertain significance. Review status: criteria provided, multiple submitters, no conflicts (2 of 4 stars). 3 submissions from 3 submitters: Uncertain significance (2). 1 of the submissions does not count toward it. Last evaluated 2021-03-31.

Conditions:
Combined oxidative phosphorylation defect type 21. Also called: Combined oxidative phosphorylation deficiency 21. Identifiers: Orphanet 420733, MedGen C4706316, MONDO:0014398, OMIM 615918.
Neurodevelopmental disorder. Identifiers: MedGen C1535926, MeSH D065886, MONDO:0700092.

Allele frequency attached by ClinVar (database versions not stated): gnomAD exomes below 0.00001 and 0.00001; ExAC 0.00001; gnomAD 0.00001; TOPMed 0.00001.

Submissions (3):

Laboratory of Molecular Genetics (Pr. Bezieau's lab), CHU de Nantes
Classification: Uncertain significance for Neurodevelopmental disorder. Last evaluated: 2021-03-31. Review status: criteria provided, single submitter. Criteria: ACMG Guidelines, 2015. Collection method: clinical testing. Allele origin: germline. Affected: yes.

Neuberg Centre For Genomic Medicine, NCGM
Classification: Uncertain significance for Combined oxidative phosphorylation defect type 21. Review status: criteria provided, single submitter. Criteria: ACMG Guidelines, 2015. Collection method: clinical testing. Allele origin: germline. Inheritance: Autosomal recessive inheritance. Affected: yes.
Comment: The c.1036C>T (p.Arg346Cys) missense variant in TARS2 gene has been submitted to ClinVar as a Variant of Uncertain Significance (VUS), but no details are available for independent assessment. It has not been reported in affected individuals. This variant is reported with the allele frequency (0.0003%) in the gnomad and novel in 1000 genome database. The amino acid Arg at position 346 is changed to a Cys changing protein sequence and it might alter its composition and physico-chemical properties. The amino acid change p.Arg346Cys in TARS2 is predicted as conserved by GERP++ and PhyloP across 100 vertebrates. For these reasons, this variant has been classified as Variant of Uncertain Significance (VUS).

Houlden Lab, UCL Institute of Neurology
Classification: Likely pathogenic for Combined oxidative phosphorylation defect type 21. Review status: no assertion criteria provided. Collection method: research. Allele origin: germline. Affected: yes. Not counted in ClinVar's aggregate classification.
Comment: This variant was identified in a compound heterozygous state with another TARS2 variant (c.388-1G>C) for this condition.